The following is an entry in ClinVar:

NM_033400.3(ZFHX2):c.6503G>A (p.Arg2168His)

Genes: THTPA (thiamine triphosphatase; plus strand), ZFHX2 (zinc finger homeobox 2; minus strand). Cytogenetic location: 14q11.2.
Variant type: single nucleotide variant.
Coding change: c.6503G>A on transcript NM_033400.3 (MANE Select); coding-DNA position 6503, G replaced by A.
Protein change: p.Arg2168His; replaces arginine 2168 with histidine.
Molecular consequence: missense variant.
Genome position (GRCh38, 1-based): chr14:23,523,439, C>T on the plus strand (G>A on the coding strand, the complement: ZFHX2 is on the minus strand). VCF-style: chr14-23523439-C-T. GRCh37 (hg19) VCF-style: chr14-23992648-C-T.
Other names: short protein forms R2168H.
Identifiers: ClinVar variation 3055284 (VCV003055284.2), dbSNP rs61742840, ClinGen allele CA7116821.

ClinVar aggregate classification (germline): Benign (0 of 4 stars; one submission).

Conditions:
ZFHX2-related disorder. Also called: ZFHX2-related condition.

Allele frequency attached by ClinVar (database versions not stated): gnomAD exomes 0.00061; ExAC 0.00124; gnomAD 0.00616; TOPMed 0.00715; 1000 Genomes Project 0.00879; 1000 Genomes Project 30x 0.01062.
gnomAD v4.1: 1,804 of 1,534,784 alleles (0.12%); highest among the groups gnomAD compares: African/African-American, 2.1%; 20 homozygotes.

Submission:

PreventionGenetics, part of Exact Sciences
Classification: Benign for ZFHX2-related condition. Last evaluated: 2019-04-24. Review status: no assertion criteria provided. Collection method: clinical testing. Allele origin: germline.
Comment: This variant is classified as benign based on ACMG/AMP sequence variant interpretation guidelines (Richards et al. 2015 PMID: 25741868, with internal and published modifications).